The following is an entry in ClinVar:

ClinVar aggregate classification (germline): Likely benign. Review status: criteria provided, multiple submitters, no conflicts (2 of 4 stars). 2 submissions from 2 submitters: Likely benign (2). Last evaluated 2025-02-24.

Conditions:
COG8-congenital disorder of glycosylation. Also called: CDG IIh; COG8-CDG. Identifiers: Orphanet 95428, MedGen C1970021, MONDO:0012635, OMIM 611182.

Allele frequency attached by ClinVar (database versions not stated): TOPMed below 0.00001; gnomAD 0.00001.
gnomAD v4.1: 2 of 1,536,604 alleles (0.00013%); highest among the groups gnomAD compares: Admixed American, 0.002%; no homozygotes.

Submissions (2):

Labcorp Genetics (formerly Invitae), Labcorp
Classification: Likely benign for COG8-congenital disorder of glycosylation. Last evaluated: 2025-02-24. Review status: criteria provided, single submitter. Criteria: Invitae Variant Classification Sherloc (09022015). Collection method: clinical testing. Allele origin: germline.

GeneDx
Classification: Likely benign. Last evaluated: 2016-02-12. Review status: criteria provided, single submitter. Criteria: GeneDx Variant Classification (06012015). Collection method: clinical testing. Allele origin: germline. Affected: yes.
Comment: This variant is considered likely benign or benign based on one or more of the following criteria: it is a conservative change, it occurs at a poorly conserved position in the protein, it is predicted to be benign by multiple in silico algorithms, and/or has population frequency not consistent with disease.

NM_032382.5(COG8):c.1839G>A (p.Ter613=)

Genes: COG8 (component of oligomeric golgi complex 8; minus strand), LOC130059304 (ATAC-STARR-seq lymphoblastoid silent region 7657; plus strand). Cytogenetic location: 16q22.1.
Variant type: single nucleotide variant.
Coding change: c.1839G>A on transcript NM_032382.5 (MANE Select); coding-DNA position 1839, G replaced by A.
Protein change: p.Ter613=.
Molecular consequence: synonymous variant. On other transcripts: intron variant (3).
Genome position (GRCh38, 1-based): chr16:69,330,839, C>T on the plus strand (G>A on the coding strand, the complement: COG8 is on the minus strand). VCF-style: chr16-69330839-C-T. GRCh37 (hg19) VCF-style: chr16-69364742-C-T.
Other names: c.1980G>A, p.Ter660= (NM_001379261.1); c.1878G>A, p.Ter626= (NM_001379263.1); c.1839G>A, p.Ter613= (NM_001379264.1); c.1414-1660G>A (NM_001379266.1); c.1583-1660G>A (NM_001379265.1); c.1759+80G>A (NM_001379262.1).
Identifiers: ClinVar variation 382587 (VCV000382587.3), dbSNP rs922190390, ClinGen allele CA16608255.